The following is an entry in ClinVar:

NM_144643.4(SCLT1):c.162-4T>G

Gene: SCLT1 (sodium channel and clathrin linker 1; minus strand). Cytogenetic location: 4q28.2.
Variant type: single nucleotide variant.
Coding change: c.162-4T>G on transcript NM_144643.4 (MANE Select); 4 bases into the intron before coding-DNA position 162, T replaced by G.
Molecular consequence: intron variant.
Genome position (GRCh38, 1-based): chr4:129,043,471, A>C on the plus strand (T>G on the coding strand, the complement: SCLT1 is on the minus strand). VCF-style: chr4-129043471-A-C. GRCh37 (hg19) VCF-style: chr4-129964626-A-C.
Other names: c.162-4T>G (NM_001410807.1, NM_001300898.2, NM_001300897.2).
Identifiers: ClinVar variation 3354640 (VCV003354640.1).

ClinVar aggregate classification (germline): Likely benign (0 of 4 stars; one submission).

Conditions:
SCLT1-related disorder. Also called: SCLT1-related condition.

gnomAD v4.1: 16 of 1,375,990 alleles (0.0012%); highest among the groups gnomAD compares: Non-Finnish European, 0.0015%; no homozygotes.

Submission:

PreventionGenetics, part of Exact Sciences
Classification: Likely benign for SCLT1-related condition. Last evaluated: 2024-09-24. Review status: no assertion criteria provided. Collection method: clinical testing. Allele origin: germline.
Comment: This variant is classified as likely benign based on ACMG/AMP sequence variant interpretation guidelines (Richards et al. 2015 PMID: 25741868, with internal and published modifications).